The following is an entry in ClinVar:

NM_000064.4(C3):c.910C>T (p.Arg304Trp)

Gene: C3 (complement C3; minus strand). Cytogenetic location: 19p13.3.
Variant type: single nucleotide variant.
Coding change: c.910C>T on transcript NM_000064.4 (MANE Select); coding-DNA position 910, C replaced by T.
Protein change: p.Arg304Trp; replaces arginine 304 with tryptophan.
Molecular consequence: missense variant.
Genome position (GRCh38, 1-based): chr19:6,713,282, G>A on the plus strand (C>T on the coding strand, the complement: C3 is on the minus strand). VCF-style: chr19-6713282-G-A. GRCh37 (hg19) VCF-style: chr19-6713293-G-A.
Other names: short protein forms R304W.
Identifiers: ClinVar variation 2190840 (VCV002190840.4), dbSNP rs759948962, ClinGen allele CA9129621.

ClinVar aggregate classification (germline): Uncertain significance (1 of 4 stars; one submission).

Allele frequency attached by ClinVar (database versions not stated): gnomAD exomes below 0.00001; TOPMed below 0.00001; ExAC 0.00001; gnomAD 0.00001.

Submission:

Labcorp Genetics (formerly Invitae), Labcorp
Classification: Uncertain significance. Last evaluated: 2022-08-12. Review status: criteria provided, single submitter. Criteria: Invitae Variant Classification Sherloc (09022015). Collection method: clinical testing. Allele origin: germline.
Comment: This variant has not been reported in the literature in individuals affected with C3-related conditions. Algorithms developed to predict the effect of missense changes on protein structure and function are either unavailable or do not agree on the potential impact of this missense change (SIFT: "Deleterious"; PolyPhen-2: "Possibly Damaging"; Align-GVGD: "Class C0"). In summary, the available evidence is currently insufficient to determine the role of this variant in disease. Therefore, it has been classified as a Variant of Uncertain Significance. This sequence change replaces arginine, which is basic and polar, with tryptophan, which is neutral and slightly polar, at codon 304 of the C3 protein (p.Arg304Trp). This variant is present in population databases (rs759948962, gnomAD 0.003%).